The following is an entry in ClinVar:

ClinVar aggregate classification (germline): Uncertain significance (1 of 4 stars; one submission).

Conditions:
Charcot-Marie-Tooth disease axonal type 2P. Also called: CHARCOT-MARIE-TOOTH NEUROPATHY, TYPE 2P; Charcot-Marie-Tooth Neuropathy Type 2G; CHARCOT-MARIE-TOOTH DISEASE, AXONAL, TYPE 2G; CMT 2G. Identifiers: Orphanet 300319, Orphanet 99941, MedGen C3280797, MONDO:0013753, OMIM 614436.

Allele frequency attached by ClinVar (database versions not stated): gnomAD 0.00001.
gnomAD v4.1: 1 of 1,612,004 alleles (0.000062%); highest among the groups gnomAD compares: Admixed American, 0.0017%; no homozygotes.

Submission:

Labcorp Genetics (formerly Invitae), Labcorp
Classification: Uncertain significance for Charcot-Marie-Tooth disease axonal type 2P. Last evaluated: 2022-09-08. Review status: criteria provided, single submitter. Criteria: Invitae Variant Classification Sherloc (09022015). Collection method: clinical testing. Allele origin: germline.
Comment: This sequence change replaces histidine, which is basic and polar, with leucine, which is neutral and non-polar, at codon 592 of the LRSAM1 protein (p.His592Leu). In summary, the available evidence is currently insufficient to determine the role of this variant in disease. Therefore, it has been classified as a Variant of Uncertain Significance. Advanced modeling of protein sequence and biophysical properties (such as structural, functional, and spatial information, amino acid conservation, physicochemical variation, residue mobility, and thermodynamic stability) performed at Invitae indicates that this missense variant is expected to disrupt LRSAM1 protein function. This variant has not been reported in the literature in individuals affected with LRSAM1-related conditions. This variant is not present in population databases (gnomAD no frequency).

NM_001005373.4(LRSAM1):c.1775A>T (p.His592Leu)

Gene: LRSAM1 (leucine rich repeat and sterile alpha motif containing 1; plus strand). Cytogenetic location: 9q33.3.
Variant type: single nucleotide variant.
Coding change: c.1775A>T on transcript NM_001005373.4 (MANE Select); coding-DNA position 1775, A replaced by T.
Protein change: p.His592Leu; replaces histidine 592 with leucine.
Molecular consequence: missense variant. On other transcripts: non-coding transcript variant (2).
Genome position (GRCh38, 1-based): chr9:127,496,040, A>T. VCF-style: chr9-127496040-A-T. GRCh37 (hg19) VCF-style: chr9-130258319-A-T.
Other names: c.1694A>T, p.His565Leu (NM_001190723.3); c.1775A>T, p.His592Leu (NM_001384142.1, NM_138361.5, NM_001005374.4); c.1676A>T, p.His559Leu (NM_001384143.1); c.986A>T, p.His329Leu (NM_001384144.1); short protein forms H329L, H559L, H565L, H592L.
Identifiers: ClinVar variation 2415493 (VCV002415493.6), dbSNP rs1039132247, ClinGen allele CA199852349.